The following is an entry in ClinVar:

ClinVar aggregate classification (germline): Uncertain significance (1 of 4 stars; one submission).

Submission:

Ambry Genetics
Classification: Uncertain significance. Last evaluated: 2026-04-24. Review status: criteria provided, single submitter. Criteria: Ambry Variant Classification Scheme 2023. Collection method: clinical testing. Allele origin: germline.
Comment: The p.P1312T variant (also known as c.3934C>A), located in coding exon 14 of the CDK12 gene, results from a C to A substitution at nucleotide position 3934. The proline at codon 1312 is replaced by threonine, an amino acid with highly similar properties. This amino acid position is conserved. In addition, this alteration is predicted to be tolerated by in silico analysis. Based on the available evidence, the clinical significance of this variant remains unclear.

NM_016507.4(CDK12):c.3934C>A (p.Pro1312Thr)

Gene: CDK12 (cyclin dependent kinase 12; plus strand). Cytogenetic location: 17q12.
Variant type: single nucleotide variant.
Coding change: c.3934C>A on transcript NM_016507.4 (MANE Select); coding-DNA position 3934, C replaced by A.
Protein change: p.Pro1312Thr; replaces proline 1312 with threonine.
Molecular consequence: missense variant.
Genome position (GRCh38, 1-based): chr17:39,530,777, C>A. VCF-style: chr17-39530777-C-A. GRCh37 (hg19) VCF-style: chr17-37687030-C-A.
Other names: c.3907C>A, p.Pro1303Thr (NM_015083.4); short protein forms P1303T, P1312T.
Identifiers: ClinVar variation 4868505 (VCV004868505.1).